The following is an entry in ClinVar:

NM_005629.4(SLC6A8):c.1861C>T (p.Pro621Ser)

Gene: SLC6A8 (solute carrier family 6 member 8; plus strand). Cytogenetic location: Xq28.
Variant type: single nucleotide variant.
Coding change: c.1861C>T on transcript NM_005629.4 (MANE Select); coding-DNA position 1861, C replaced by T.
Protein change: p.Pro621Ser; replaces proline 621 with serine.
Molecular consequence: missense variant.
Genome position (GRCh38, 1-based): chrX:153,695,167, C>T. VCF-style: chrX-153695167-C-T. GRCh37 (hg19) VCF-style: chrX-152960622-C-T.
Other names: NM_005629.4(SLC6A8):c.1861C>T; p.Pro621Ser; c.1831C>T, p.Pro611Ser (NM_001142805.2); c.1516C>T, p.Pro506Ser (NM_001142806.1); short protein forms P621S, P506S, P611S.
Identifiers: ClinVar variation 373442 (VCV000373442.8), dbSNP rs782388832, ClinGen allele CA10549671.

ClinVar aggregate classification (germline): Likely benign. Review status: reviewed by expert panel (3 of 4 stars). 5 submissions from 5 submitters: Likely benign (1). 4 of the submissions do not count toward it. Last evaluated 2025-03-18.

Conditions:
Creatine deficiency syndrome 1.
Inborn genetic diseases. Identifiers: MedGen C0950123, MeSH D030342.
Creatine transporter deficiency (CCDS1). Also called: SLC6A8-Related Creatine Transporter Deficiency; CREATINE TRANSPORTER DEFECT; CEREBRAL CREATINE DEFICIENCY SYNDROME 1; Mental retardation , X-linked with seizures, short stature and midface hypoplasia; Mental retardation , X-linked, with creatine transport deficiency; X-linked creatine transporter deficiency. Identifiers: Orphanet 52503, MedGen C1845862, MONDO:0010305, OMIM 300352.

gnomAD v4.1: 5 of 1,194,652 alleles (0.00042%); highest among the groups gnomAD compares: East Asian, 0.0061%; no homozygotes.

Submissions (5):

ClinGen Cerebral Creatine Deficiency Syndromes Variant Curation Expert Panel, ClinGen
Classification: Likely benign for Creatine transporter deficiency. Last evaluated: 2025-03-18. Review status: reviewed by expert panel. Criteria: ClinGen_CCDS_ACMG_Specifications_SLC6A8_v1.1. Collection method: curation. Allele origin: germline. Inheritance: X-linked inheritance.
Comment: The NM_005629.4:c.1861C>T variant in SLC6A8 is a missense variant predicted to cause the substitution of a proline by a serine at amino acid position 621 (p.Pro621Ser). To our knowledge, this variant has not been reported in the literature and no functional studies are available. In gnomAD v4.1.0., the highest population allele frequency is 0.00006063 (2/32985 alleles, 2 hemizygotes) in the East Asian population, which is greater than the ClinGen CCDS VCEP’s threshold for PM2_Supporting (<0.00002) but less than the ClinGen CCDS VCEP’s threshold for BS1 (>0.0002), such that neither of these criteria are met. Overall across all populations, there are 2 hemizygotes in gnomAD v4.1.0. (BS2). The computational predictor REVEL gives a score of 0.168 suggesting that the variant has no impact on protein function. SpliceAI predicts no impact on splicing (BP4). There is a ClinVar entry for this variant (Variation ID: 373442). In summary, this variant meets criteria to be classified as likely benign for creatine transporter deficiency. SLC6A8-specific ACMG/AMP criteria applied, as specified by the ClinGen CCDS VCEP (Specifications Version 1.1.0): BS2, BP4. (Classification approved by the ClinGen Cerebral Creatine Deficiencies Variant Curation Expert Panel on March 18, 2025)

Labcorp Genetics (formerly Invitae), Labcorp
Classification: Benign for Creatine transporter deficiency. Last evaluated: 2024-02-12. Review status: criteria provided, single submitter. Criteria: Invitae Variant Classification Sherloc (09022015). Collection method: clinical testing. Allele origin: germline. Not counted in ClinVar's aggregate classification.

Ambry Genetics
Classification: Likely benign for Inborn genetic diseases. Last evaluated: 2023-03-29. Review status: criteria provided, single submitter. Criteria: Ambry Variant Classification Scheme 2023. Collection method: clinical testing. Allele origin: germline. Not counted in ClinVar's aggregate classification.

GeneDx
Classification: Uncertain significance. Last evaluated: 2016-12-05. Review status: criteria provided, single submitter. Criteria: GeneDx Variant Classification (06012015). Collection method: clinical testing. Allele origin: germline. Affected: yes. Not counted in ClinVar's aggregate classification.
Comment: The P621S variant in the SLC6A8 gene has not been reported previously as a pathogenic variant, nor as a benign variant, to our knowledge. The P621S variant was not observed in approximately 6500 individuals of European and African American ancestry in the NHLBI Exome Sequencing Project, indicating it is not a common benign variant in these populations. The P621S variant is a non-conservative amino acid substitution, which is likely to impact secondary protein structure asthese residues differ in polarity, charge, size and/or other properties. This substitution occurs at a position that is conserved in mammals. In silico analysis is inconsistent in its predictions as to whether or not the variant is damaging to the protein structure/function. We interpret P621S as a variant of uncertain significance.

Natera, Inc.
Classification: Uncertain significance for Creatine deficiency syndrome 1. Last evaluated: 2019-11-11. Review status: no assertion criteria provided. Collection method: clinical testing. Allele origin: germline. Not counted in ClinVar's aggregate classification.